The following is an entry in ClinVar:

ClinVar aggregate classification (germline): Uncertain significance (1 of 4 stars; one submission).

Allele frequency attached by ClinVar (database versions not stated): gnomAD 0.00001; 1000 Genomes Project 30x 0.00016; 1000 Genomes Project 0.00020.
gnomAD v4.1: 1 of 1,612,526 alleles (0.000062%); highest among the groups gnomAD compares: East Asian, 0.0022%; no homozygotes.

Submission:

Labcorp Genetics (formerly Invitae), Labcorp
Classification: Uncertain significance. Last evaluated: 2024-10-24. Review status: criteria provided, single submitter. Criteria: Invitae Variant Classification Sherloc (09022015). Collection method: clinical testing. Allele origin: germline.
Comment: This sequence change replaces alanine, which is neutral and non-polar, with valine, which is neutral and non-polar, at codon 56 of the RPL27 protein (p.Ala56Val). This variant is not present in population databases (gnomAD no frequency). This variant has not been reported in the literature in individuals affected with RPL27-related conditions. An algorithm developed to predict the effect of missense changes on protein structure and function (PolyPhen-2) suggests that this variant is likely to be tolerated. In summary, the available evidence is currently insufficient to determine the role of this variant in disease. Therefore, it has been classified as a Variant of Uncertain Significance.

NM_000988.5(RPL27):c.167C>T (p.Ala56Val)

Gene: RPL27 (ribosomal protein L27; plus strand). Cytogenetic location: 17q21.31.
Variant type: single nucleotide variant.
Coding change: c.167C>T on transcript NM_000988.5 (MANE Select); coding-DNA position 167, C replaced by T.
Protein change: p.Ala56Val; replaces alanine 56 with valine.
Molecular consequence: missense variant.
Genome position (GRCh38, 1-based): chr17:43,000,018, C>T. VCF-style: chr17-43000018-C-T. GRCh37 (hg19) VCF-style: chr17-41152035-C-T.
Other names: c.167C>T, p.Ala56Val (NM_001349921.2, NM_001349922.2); short protein forms A56V.
Identifiers: ClinVar variation 2769130 (VCV002769130.3), dbSNP rs565340960, ClinGen allele CA290824040.